The following is an entry in ClinVar:

ClinVar aggregate classification (germline): Conflicting classifications of pathogenicity. Review status: criteria provided, conflicting classifications (1 of 4 stars). 3 submissions from 3 submitters: Likely pathogenic (1); Uncertain significance (2). Last evaluated 2025-10-07.

Conditions:
Autosomal recessive limb-girdle muscular dystrophy type 2L (LGMDR12). Also called: Limb-girdle muscular dystrophy, type 2L; Limb-Girdle Muscular Dystrophy R12 Anoctamin-5-Related (LGMD-R12); MUSCULAR DYSTROPHY, LIMB-GIRDLE, AUTOSOMAL RECESSIVE 12. Identifiers: Orphanet 206549, MedGen C1969785, MONDO:0012652, OMIM 611307.
Gnathodiaphyseal dysplasia (GDD). Also called: GNATHODIAPHYSEAL SCLEROSIS; OSTEOGENESIS IMPERFECTA WITH UNUSUAL SKELETAL LESIONS. Identifiers: Orphanet 53697, MedGen C1833736, MONDO:0008151, OMIM 166260.
ANO5-Related Muscle Diseases. Identifiers: MedGen CN180644.

Allele frequency attached by ClinVar (database versions not stated): gnomAD 0.00001; ExAC 0.00002; gnomAD exomes 0.00002; TOPMed 0.00002.
gnomAD v4.1: 49 of 1,613,318 alleles (0.003%); highest among the groups gnomAD compares: Non-Finnish European, 0.0039%; no homozygotes.

Submissions (3):

Labcorp Genetics (formerly Invitae), Labcorp
Classification: Likely pathogenic for Autosomal recessive limb-girdle muscular dystrophy type 2L; Gnathodiaphyseal dysplasia. Last evaluated: 2025-10-07. Review status: criteria provided, single submitter. Criteria: Invitae Variant Classification Sherloc (09022015). Collection method: clinical testing. Allele origin: germline.
Comment: This sequence change replaces methionine, which is neutral and non-polar, with valine, which is neutral and non-polar, at codon 773 of the ANO5 protein (p.Met773Val). This variant is present in population databases (rs751028884, gnomAD 0.004%). This missense change has been observed in individual(s) with clinical features of autosomal recessive ANO5-related conditions (PMID: 32367299; internal data). In at least one individual the data is consistent with being in trans (on the opposite chromosome) from a pathogenic variant. ClinVar contains an entry for this variant (Variation ID: 304109). Invitae Evidence Modeling of protein sequence and biophysical properties (such as structural, functional, and spatial information, amino acid conservation, physicochemical variation, residue mobility, and thermodynamic stability) indicates that this missense variant is expected to disrupt ANO5 protein function with a positive predictive value of 95%. In summary, the currently available evidence indicates that the variant is pathogenic, but additional data are needed to prove that conclusively. Therefore, this variant has been classified as Likely Pathogenic.

Eurofins Ntd Llc (ga)
Classification: Uncertain significance. Last evaluated: 2018-06-20. Review status: criteria provided, single submitter. Criteria: EGL ClinVar v180209 classification definitions. Collection method: clinical testing. Allele origin: germline. Observed: 2 variant alleles, 2 heterozygotes.

Illumina Laboratory Services, Illumina
Classification: Uncertain significance for ANO5-Related Muscle Diseases. Last evaluated: 2018-01-13. Review status: criteria provided, single submitter. Criteria: ICSL Variant Classification Criteria 13 December 2019. Collection method: clinical testing. Allele origin: germline.

Literature cited by the submitters: PubMed 32367299 (cited by Labcorp Genetics (formerly Invitae), Labcorp).

NM_213599.3(ANO5):c.2317A>G (p.Met773Val)

Gene: ANO5 (anoctamin 5; plus strand). Cytogenetic location: 11p14.3.
Variant type: single nucleotide variant.
Coding change: c.2317A>G on transcript NM_213599.3 (MANE Select); coding-DNA position 2317, A replaced by G.
Protein change: p.Met773Val; replaces methionine 773 with valine.
Molecular consequence: missense variant.
Genome position (GRCh38, 1-based): chr11:22,274,650, A>G. VCF-style: chr11-22274650-A-G. GRCh37 (hg19) VCF-style: chr11-22296196-A-G.
Other names: c.2314A>G, p.Met772Val (NM_001142649.2); short protein forms M773V, M772V.
Identifiers: ClinVar variation 304109 (VCV000304109.16), dbSNP rs751028884, ClinGen allele CA5923523.